The following is an entry in ClinVar:

NM_016204.4(GDF2):c.1139T>C (p.Val380Ala)

Gene: GDF2 (growth differentiation factor 2; plus strand). Cytogenetic location: 10q11.22.
Variant type: single nucleotide variant.
Coding change: c.1139T>C on transcript NM_016204.4 (MANE Select); coding-DNA position 1139, T replaced by C.
Protein change: p.Val380Ala; replaces valine 380 with alanine.
Molecular consequence: missense variant.
Genome position (GRCh38, 1-based): chr10:47,325,633, T>C. VCF-style: chr10-47325633-T-C. GRCh37 (hg19) VCF-style: chr10-48413729-A-G.
Other names: short protein forms V380A.
Identifiers: ClinVar variation 424503 (VCV000424503.10), dbSNP rs567200323, ClinGen allele CA5487935.

ClinVar aggregate classification (germline): Conflicting classifications of pathogenicity. Review status: criteria provided, conflicting classifications (1 of 4 stars). 2 submissions from 2 submitters: Uncertain significance (1); Likely benign (1). Last evaluated 2025-12-29.

Conditions:
Telangiectasia, hereditary hemorrhagic, type 5 (HHT5). Identifiers: Orphanet 774, MedGen C3809710, MONDO:0014217, OMIM 615506.

Allele frequency attached by ClinVar (database versions not stated): gnomAD below 0.00001 and 0.00005; TOPMed 0.00001; gnomAD exomes 0.00005 and 0.00012; ExAC 0.00015; 1000 Genomes Project 30x 0.00031; 1000 Genomes Project 0.00040.

Submissions (2):

Labcorp Genetics (formerly Invitae), Labcorp
Classification: Likely benign for Telangiectasia, hereditary hemorrhagic, type 5. Last evaluated: 2025-12-29. Review status: criteria provided, single submitter. Criteria: Invitae Variant Classification Sherloc (09022015). Collection method: clinical testing. Allele origin: germline.

GeneDx
Classification: Uncertain significance. Last evaluated: 2017-03-22. Review status: criteria provided, single submitter. Criteria: GeneDx Variant Classification (06012015). Collection method: clinical testing. Allele origin: germline. Affected: yes.
Comment: A variant of uncertain significance has been identified in the GDF2 gene. The V380A variant has not been published as pathogenic or been reported as benign to our knowledge. This variant is reported in 0.1-0.2% of alleles from individuals of South Asian ancestry in large population cohorts (Lek et al., 2016; 1000 Genomes Consortium et al., 2015; Exome Variant Server). The V380A variant is a conservative amino acid substitution, which is not likely to impact secondary protein structure as these residues share similar properties. Additionally, this substitution occurs at a position that is not conserved. Nevertheless, in silico analysis is inconsistent in its predictions as to whether or not the variant is damaging to the protein structure/function.